The following is an entry in ClinVar:

ClinVar aggregate classification (germline): Uncertain significance (1 of 4 stars; one submission).

Conditions:
Emery-Dreifuss muscular dystrophy 4, autosomal dominant (EDMD4). Also called: EMERY-DREIFUSS MUSCULAR DYSTROPHY 4 WITH VARIABLE FEATURES. Identifiers: Orphanet 261, MedGen C2751807, MONDO:0013071, OMIM 612998.
Autosomal recessive ataxia, Beauce type. Also called: Spinocerebellar ataxia, autosomal recessive 8; ATAXIA, RECESSIVE, OF BEAUCE; SYNE1 Deficiency; SYNE1-Related Autosomal Recessive Cerebellar Ataxia. Identifiers: Orphanet 88644, MedGen C1853116, MONDO:0012549, OMIM 610743.

Allele frequency attached by ClinVar (database versions not stated): gnomAD exomes 0.00001; ExAC 0.00002.
gnomAD v4.1: 14 of 1,614,086 alleles (0.00087%); highest among the groups gnomAD compares: South Asian, 0.0033%; no homozygotes.

Submission:

Labcorp Genetics (formerly Invitae), Labcorp
Classification: Uncertain significance for Emery-Dreifuss muscular dystrophy 4, autosomal dominant; Autosomal recessive ataxia, Beauce type. Last evaluated: 2021-12-11. Review status: criteria provided, single submitter. Criteria: Invitae Variant Classification Sherloc (09022015). Collection method: clinical testing. Allele origin: germline.
Comment: In summary, the available evidence is currently insufficient to determine the role of this variant in disease. Therefore, it has been classified as a Variant of Uncertain Significance. Algorithms developed to predict the effect of missense changes on protein structure and function are either unavailable or do not agree on the potential impact of this missense change (SIFT: "Deleterious"; PolyPhen-2: "Probably Damaging"; Align-GVGD: "Class C0"). This variant has not been reported in the literature in individuals affected with SYNE1-related conditions. This variant is present in population databases (rs758942329, gnomAD 0.007%). This sequence change replaces arginine, which is basic and polar, with glutamine, which is neutral and polar, at codon 8652 of the SYNE1 protein (p.Arg8652Gln).

NM_182961.4(SYNE1):c.26099G>A (p.Arg8700Gln)

Gene: SYNE1 (spectrin repeat containing nuclear envelope protein 1; minus strand). Cytogenetic location: 6q25.2.
Variant type: single nucleotide variant.
Coding change: c.26099G>A on transcript NM_182961.4 (MANE Select); coding-DNA position 26099, G replaced by A.
Protein change: p.Arg8700Gln; replaces arginine 8700 with glutamine.
Molecular consequence: missense variant. On other transcripts: intron variant (1).
Genome position (GRCh38, 1-based): chr6:152,130,774, C>T on the plus strand (G>A on the coding strand, the complement: SYNE1 is on the minus strand). VCF-style: chr6-152130774-C-T. GRCh37 (hg19) VCF-style: chr6-152451909-C-T.
Other names: c.2633G>A, p.Arg878Gln (NM_001347702.2); c.25955G>A, p.Arg8652Gln (NM_033071.5); c.2700+1348G>A (NM_001347701.2); short protein forms R8700Q, R8652Q, R878Q.
Identifiers: ClinVar variation 1438788 (VCV001438788.7), dbSNP rs758942329, ClinGen allele CA4052658.